The following is an entry in ClinVar:

NM_007315.4(STAT1):c.*777A>G

Gene: STAT1 (signal transducer and activator of transcription 1; minus strand). Cytogenetic location: 2q32.2.
Variant type: single nucleotide variant.
Coding change: c.*777A>G on transcript NM_007315.4 (MANE Select); 777 bases downstream of the stop codon, A replaced by G.
Molecular consequence: 3 prime UTR variant.
Genome position (GRCh38, 1-based): chr2:190,969,926, T>C on the plus strand (A>G on the coding strand, the complement: STAT1 is on the minus strand). VCF-style: chr2-190969926-T-C. GRCh37 (hg19) VCF-style: chr2-191834652-T-C.
Identifiers: ClinVar variation 895559 (VCV000895559.4), dbSNP rs180904823, ClinGen allele CA62664613.
Genomic context (GRCh38, chr2:190,969,926, plus strand): 5'-TCAACTTTTGAATGAGTGGTTGTGAATAGCCTAACTCCCTTGGGAGAACTGTAAAAATAA[T>C]TGTATGTGACCAAGATGAAAGCAGAATGTATTCAGCTTTGGATATCAAACACAACTTGTG-3'

ClinVar aggregate classification (germline): Benign (1 of 4 stars; one submission).

Conditions:
Mendelian susceptibility to mycobacterial diseases due to partial STAT1 deficiency. Also called: STAT1 DEFICIENCY, AUTOSOMAL DOMINANT; Immunodeficiency 31a; IMMUNODEFICIENCY 31A, MYCOBACTERIOSIS, AUTOSOMAL DOMINANT. Identifiers: Orphanet 319595, MedGen C4013950, MONDO:0013956, OMIM 614892.

Allele frequency attached by ClinVar (database versions not stated): gnomAD 0.00307 and 0.00321; TOPMed 0.00353; 1000 Genomes Project 0.00419; 1000 Genomes Project 30x 0.00453.

Submission:

Illumina Laboratory Services, Illumina
Classification: Benign for Mendelian susceptibility to mycobacterial diseases due to partial STAT1 deficiency. Last evaluated: 2018-01-13. Review status: criteria provided, single submitter. Criteria: ICSL Variant Classification Criteria 13 December 2019. Collection method: clinical testing. Allele origin: germline.
Comment: This variant was observed in the ICSL laboratory as part of a predisposition screen in an ostensibly healthy population. It had not been previously curated by ICSL or reported in the Human Gene Mutation Database (HGMD: prior to June 1st, 2018), and was therefore a candidate for classification through an automated scoring system. Utilizing variant allele frequency, disease prevalence and penetrance estimates, and inheritance mode, an automated score was calculated to assess if this variant is too frequent to cause the disease. Based on the score and internal cut-off values, a variant classified as benign is not then subjected to further curation. The score for this variant resulted in a classification of benign for this disease.